The following is an entry in ClinVar:

NM_000540.3(RYR1):c.6432C>T (p.Ile2144=)

Gene: RYR1 (ryanodine receptor 1; plus strand). Cytogenetic location: 19q13.2.
Variant type: single nucleotide variant.
Coding change: c.6432C>T on transcript NM_000540.3 (MANE Select); coding-DNA position 6432, C replaced by T.
Protein change: p.Ile2144=; no amino-acid change (isoleucine 2144 retained).
Molecular consequence: synonymous variant.
Genome position (GRCh38, 1-based): chr19:38,494,509, C>T. VCF-style: chr19-38494509-C-T. GRCh37 (hg19) VCF-style: chr19-38985149-C-T.
Other names: c.6432C>T, p.Ile2144= (NM_001042723.2).
Identifiers: ClinVar variation 511672 (VCV000511672.15), dbSNP rs151063086, ClinGen allele CA068252.
Genomic context (GRCh38, chr19:38,494,509, plus strand): 5'-GCACCGGCAGTACGACGGGCTGGGTGAGCTGCTGCGTGCCCTGCCGCGGGCGTACACCAT[C>T]TCACCGTCCTCCGTGGAAGACACCATGAGCCTGCTCGAGTGCCTCGGCCAGATCCGCTCG-3'
Protein context (NP_000531.2, residues 2134-2154): LLRALPRAYT[Ile2144=]SPSSVEDTMS

ClinVar aggregate classification (germline): Likely benign. Review status: criteria provided, multiple submitters, no conflicts (2 of 4 stars). 4 submissions from 4 submitters: Likely benign (4). Last evaluated 2025-12-15.

Conditions:
Malignant hyperthermia, susceptibility to, 1 (MHS1). Also called: Anesthesia related hyperthermia; Malignant hyperpyrexia; Fulminating hyperpyrexia; Pharmacogenic myopathy; RYR1-Related Malignant Hyperthermia Susceptibility; Malignant hyperthermia suceptibility 1. Identifiers: Orphanet 423, MedGen C2930980, MONDO:0007783, OMIM 145600.
RYR1-related disorder. Also called: RYR1-related condition; RYR1-related disorders. Identifiers: MedGen CN239331.

Allele frequency attached by ClinVar (database versions not stated): gnomAD 0.00002; ExAC 0.00003; TOPMed 0.00003; gnomAD exomes 0.00004 and 0.00012; ESP Exome Variant Server 0.00015.

Submissions (4):

Labcorp Genetics (formerly Invitae), Labcorp
Classification: Likely benign for RYR1-related disorder. Last evaluated: 2025-12-15. Review status: criteria provided, single submitter. Criteria: Invitae Variant Classification Sherloc (09022015). Collection method: clinical testing. Allele origin: germline.

All of Us Research Program, National Institutes of Health
Classification: Likely benign for Malignant hyperthermia, susceptibility to, 1. Last evaluated: 2024-02-05. Review status: criteria provided, single submitter. Criteria: ACMG Guidelines, 2015. Collection method: clinical testing. Allele origin: germline. Inheritance: Autosomal dominant inheritance. Observed: 8 variant alleles, 8 heterozygotes.
Comment: This study involves interpretation of variants in research participants for the purpose of population health screening. Participant phenotype was not available at the time of variant classification. Additional details can be found in publication PMID: 35346344, PMCID: PMC8962531

Color Diagnostics, LLC DBA Color Health
Classification: Likely benign for Malignant hyperthermia, susceptibility to, 1. Last evaluated: 2022-11-06. Review status: criteria provided, single submitter. Criteria: ACMG Guidelines, 2015. Collection method: clinical testing. Allele origin: germline.

GeneDx
Classification: Likely benign. Last evaluated: 2020-09-11. Review status: criteria provided, single submitter. Criteria: GeneDx Variant Classification Process June 2021. Collection method: clinical testing. Allele origin: germline. Affected: yes.